The following is an entry in ClinVar:

ClinVar aggregate classification (germline): Benign/Likely benign. Review status: criteria provided, multiple submitters, no conflicts (2 of 4 stars). 3 submissions from 3 submitters: Benign (1); Likely benign (2). Last evaluated 2024-05-01.

Conditions:
KBG syndrome (KBGS). Also called: ANKRD11-Related KBG Syndrome. Identifiers: Orphanet 2332, MedGen C0220687, MONDO:0007846, OMIM 148050.

Allele frequency attached by ClinVar (database versions not stated): TOPMed 0.00003; gnomAD 0.00013; gnomAD exomes 0.00018; ExAC 0.00048; 1000 Genomes Project 30x 0.00062; 1000 Genomes Project 0.00080.
gnomAD v4.1: 288 of 1,608,386 alleles (0.018%); highest among the groups gnomAD compares: South Asian, 0.27%; 1 homozygote.

Submissions (3):

CeGaT Center for Human Genetics Tuebingen
Classification: Likely benign. Last evaluated: 2024-05-01. Review status: criteria provided, single submitter. Criteria: CeGaT Center For Human Genetics Tuebingen Variant Classification Criteria Version 2. Collection method: clinical testing. Allele origin: germline. Affected: yes. Observed: 1 variant allele.
Comment: ANKRD11: BP4, BP7, BS1

Blueprint Genetics
Classification: Likely benign. Last evaluated: 2024-04-12. Review status: criteria provided, single submitter. Criteria: ACMG Guidelines, 2015. Collection method: clinical testing. Allele origin: germline.

Labcorp Genetics (formerly Invitae), Labcorp
Classification: Benign for KBG syndrome. Last evaluated: 2023-12-13. Review status: criteria provided, single submitter. Criteria: Invitae Variant Classification Sherloc (09022015). Collection method: clinical testing. Allele origin: germline.

NM_013275.6(ANKRD11):c.6336C>T (p.Leu2112=)

Gene: ANKRD11 (ankyrin repeat domain 11; minus strand). Cytogenetic location: 16q24.3.
Variant type: single nucleotide variant.
Coding change: c.6336C>T on transcript NM_013275.6 (MANE Select); coding-DNA position 6336, C replaced by T.
Protein change: p.Leu2112=; no amino-acid change (leucine 2112 retained).
Molecular consequence: synonymous variant.
Genome position (GRCh38, 1-based): chr16:89,280,206, G>A on the plus strand (C>T on the coding strand, the complement: ANKRD11 is on the minus strand). VCF-style: chr16-89280206-G-A. GRCh37 (hg19) VCF-style: chr16-89346614-G-A.
Other names: c.6336C>T, p.Leu2112= (NM_001256182.2, NM_001256183.2).
Identifiers: ClinVar variation 2415441 (VCV002415441.27), dbSNP rs541447217, ClinGen allele CA8241492.